The following is an entry in ClinVar:

NM_007078.3(LDB3):c.647T>C (p.Met216Thr)

Gene: LDB3 (LIM domain binding 3; plus strand). Cytogenetic location: 10q23.2.
Variant type: single nucleotide variant.
Coding change: c.647T>C on transcript NM_007078.3 (MANE Select); coding-DNA position 647, T replaced by C.
Protein change: p.Met216Thr; replaces methionine 216 with threonine.
Molecular consequence: missense variant. On other transcripts: intron variant (5).
Genome position (GRCh38, 1-based): chr10:86,681,761, T>C. VCF-style: chr10-86681761-T-C. GRCh37 (hg19) VCF-style: chr10-88441518-T-C.
Other names: c.647T>C, p.Met216Thr (NM_001080115.2, NM_001171610.2, NM_001171611.2 and 3 more transcripts); c.321+1604T>C (NM_001368068.1, NM_001368066.1, NM_001080114.2 and 2 more transcripts); short protein forms M216T.
Identifiers: ClinVar variation 5041501 (VCV005041501.1).

ClinVar aggregate classification (germline): Uncertain significance (1 of 4 stars; one submission).

gnomAD v4.1: 1 of 1,602,674 alleles (0.000062%); highest among the groups gnomAD compares: East Asian, 0.0022%; no homozygotes.

Submission:

CeGaT Center for Human Genetics Tuebingen
Classification: Uncertain significance. Last evaluated: 2026-09-01. Review status: criteria provided, single submitter. Criteria: CeGaT Center For Human Genetics Tuebingen Variant Classification Criteria Version 2. Collection method: clinical testing. Allele origin: germline. Affected: yes. Observed: 1 variant allele.
Comment: LDB3: PM2, BP4